The following is an entry in ClinVar:

ClinVar aggregate classification (germline): Uncertain significance. Review status: criteria provided, single submitter (1 of 4 stars). 2 submissions from 2 submitters: Uncertain significance (1). 1 of the submissions does not count toward it. Last evaluated 2025-08-21.

Conditions:
DMXL1-related disorder. Also called: DMXL1-related condition.

Allele frequency attached by ClinVar (database versions not stated): gnomAD exomes 0.00025; 1000 Genomes Project 0.00200; 1000 Genomes Project 30x 0.00203; ESP Exome Variant Server 0.00238; gnomAD 0.00292; TOPMed 0.00328.
gnomAD v4.1: 846 of 1,613,878 alleles (0.052%); highest among the groups gnomAD compares: African/African-American, 0.94%; 8 homozygotes.

Submissions (3):

Ambry Genetics
Classification: Uncertain significance. Last evaluated: 2025-08-21. Review status: criteria provided, single submitter. Criteria: Ambry Variant Classification Scheme 2023. Collection method: clinical testing. Allele origin: germline.

PreventionGenetics, part of Exact Sciences
Classification: Benign for DMXL1-related condition. Last evaluated: 2019-10-04. Review status: no assertion criteria provided. Collection method: clinical testing. Allele origin: germline. Not counted in ClinVar's aggregate classification.
Comment: This variant is classified as benign based on ACMG/AMP sequence variant interpretation guidelines (Richards et al. 2015 PMID: 25741868, with internal and published modifications).

Dr. Peter K. Rogan Lab, Western University
No classification provided (evidence only). Condition: Cervical cancer. Review status: no classification provided. Collection method: in vitro. Allele origin: not applicable. Functional consequence: retained intron. Not counted in ClinVar's aggregate classification.

NM_001290321.3(DMXL1):c.6616C>G (p.His2206Asp)

Gene: DMXL1 (Dmx like 1; plus strand). Cytogenetic location: 5q23.1.
Variant type: single nucleotide variant.
Coding change: c.6616C>G on transcript NM_001290321.3 (MANE Select); coding-DNA position 6616, C replaced by G.
Protein change: p.His2206Asp; replaces histidine 2206 with aspartic acid.
Molecular consequence: missense variant. On other transcripts: non-coding transcript variant (3), intron variant (1).
Genome position (GRCh38, 1-based): chr5:119,171,904, C>G. VCF-style: chr5-119171904-C-G. GRCh37 (hg19) VCF-style: chr5-118507599-C-G.
Other names: NC_000005.9:g.118507599C>G; c.6616C>G (NM_005509.4); c.6489+624C>G (NM_001387934.1); c.6616C>G, p.His2206Asp (NM_001349239.2, NM_001349240.2, NM_001387933.1 and 1 more transcripts); c.5911C>G, p.His1971Asp (NM_001387937.1); c.5629C>G, p.His1877Asp (NM_001387938.1); short protein forms H1877D, H1971D, H2206D.
Identifiers: ClinVar variation 3045828 (VCV003045828.4), dbSNP rs149518343, ClinGen allele CA3380602.